The following is an entry in ClinVar:

NM_001292063.2(OTOG):c.7898G>A (p.Cys2633Tyr)

Gene: OTOG (otogelin; plus strand). Cytogenetic location: 11p15.1.
Variant type: single nucleotide variant.
Coding change: c.7898G>A on transcript NM_001292063.2 (MANE Select); coding-DNA position 7898, G replaced by A.
Protein change: p.Cys2633Tyr; replaces cysteine 2633 with tyrosine.
Molecular consequence: missense variant.
Genome position (GRCh38, 1-based): chr11:17,639,426, G>A. VCF-style: chr11-17639426-G-A. GRCh37 (hg19) VCF-style: chr11-17660973-G-A.
Other names: c.7934G>A, p.Cys2645Tyr (NM_001277269.2); short protein forms C2633Y, C2645Y.
Identifiers: ClinVar variation 2882944 (VCV002882944.2), dbSNP rs770984866, ClinGen allele CA5906194.

ClinVar aggregate classification (germline): Uncertain significance (1 of 4 stars; one submission).

Allele frequency attached by ClinVar (database versions not stated): TOPMed below 0.00001; gnomAD exomes 0.00001; ExAC 0.00006.
gnomAD v4.1: 9 of 1,550,732 alleles (0.00058%); highest among the groups gnomAD compares: African/African-American, 0.0014%; no homozygotes.

Submission:

Labcorp Genetics (formerly Invitae), Labcorp
Classification: Uncertain significance. Last evaluated: 2023-01-24. Review status: criteria provided, single submitter. Criteria: Invitae Variant Classification Sherloc (09022015). Collection method: clinical testing. Allele origin: germline.
Comment: This sequence change replaces cysteine, which is neutral and slightly polar, with tyrosine, which is neutral and polar, at codon 2645 of the OTOG protein (p.Cys2645Tyr). This variant is present in population databases (rs770984866, gnomAD 0.002%). This variant has not been reported in the literature in individuals affected with OTOG-related conditions. Algorithms developed to predict the effect of missense changes on protein structure and function are either unavailable or do not agree on the potential impact of this missense change (SIFT: "Deleterious"; PolyPhen-2: "Probably Damaging"; Align-GVGD: "Class C0"). In summary, the available evidence is currently insufficient to determine the role of this variant in disease. Therefore, it has been classified as a Variant of Uncertain Significance.